The following is an entry in ClinVar:

ClinVar aggregate classification (germline): Uncertain significance (1 of 4 stars; one submission).

Conditions:
Hyperkalemic periodic paralysis. Also called: Familial hyperkalemic periodic paralysis; Gamstorp disease. Identifiers: Orphanet 682, MedGen C0238357, MONDO:0008224, OMIM 170500, HP:0007215.

Submission:

Labcorp Genetics (formerly Invitae), Labcorp
Classification: Uncertain significance for Hyperkalemic periodic paralysis. Last evaluated: 2025-08-17. Review status: criteria provided, single submitter. Criteria: Invitae Variant Classification Sherloc (09022015). Collection method: clinical testing. Allele origin: germline.
Comment: This sequence change replaces glutamic acid, which is acidic and polar, with glutamine, which is neutral and polar, at codon 884 of the SCN4A protein (p.Glu884Gln). This variant is not present in population databases (gnomAD no frequency). This variant has not been reported in the literature in individuals affected with SCN4A-related conditions. Invitae Evidence Modeling of protein sequence and biophysical properties (such as structural, functional, and spatial information, amino acid conservation, physicochemical variation, residue mobility, and thermodynamic stability) indicates that this missense variant is not expected to disrupt SCN4A protein function with a negative predictive value of 95%. In summary, the available evidence is currently insufficient to determine the role of this variant in disease. Therefore, it has been classified as a Variant of Uncertain Significance.

NM_000334.4(SCN4A):c.2650G>C (p.Glu884Gln)

Genes: GH-LCR (growth hormone locus control region; plus strand), SCN4A (sodium voltage-gated channel alpha subunit 4; minus strand). Cytogenetic location: 17q23.3.
Variant type: single nucleotide variant.
Coding change: c.2650G>C on transcript NM_000334.4 (MANE Select); coding-DNA position 2650, G replaced by C.
Protein change: p.Glu884Gln; replaces glutamic acid 884 with glutamine.
Molecular consequence: missense variant.
Genome position (GRCh38, 1-based): chr17:63,951,627, C>G on the plus strand (G>C on the coding strand, the complement: SCN4A is on the minus strand). VCF-style: chr17-63951627-C-G. GRCh37 (hg19) VCF-style: chr17-62028987-C-G.
Other names: short protein forms E884Q.
Identifiers: ClinVar variation 4746998 (VCV004746998.1).
Genomic context (GRCh38, chr17:63,951,627, plus strand): 5'-GGGGGCCGTCAGCCAGGCCCATGTGGTTCAGGATGTGATTGTCCTTCTTCAGGTCCTCCT[C>G]GGGCGGCTCCTTCTTCTCATCCTCGGGGGCAGTCTCCCCCGCCTCTCCAGCCTCCCCGGC-3'
Protein context (NP_000325.4, residues 874-894): APEDEKKEPP[Glu884Gln]EDLKKDNHIL